The following is an entry in ClinVar:

ClinVar aggregate classification (germline): Pathogenic (1 of 4 stars; one submission).

Conditions:
Autosomal recessive distal spinal muscular atrophy 1. Also called: SEVERE INFANTILE AXONAL NEUROPATHY WITH RESPIRATORY FAILURE; SPINAL MUSCULAR ATROPHY, DIAPHRAGMATIC; HMN VI; NEURONOPATHY, SEVERE INFANTILE AXONAL, WITH RESPIRATORY FAILURE; Spinal muscular atrophy with respiratory distress 1; NEURONOPATHY, DISTAL HEREDITARY MOTOR, HARDING TYPE VI. Identifiers: Orphanet 98920, MedGen C1858517, MONDO:0011436, OMIM 604320.
Charcot-Marie-Tooth disease axonal type 2S. Also called: CHARCOT-MARIE-TOOTH DISEASE, AXONAL, AUTOSOMAL RECESSIVE, TYPE 2S; CHARCOT-MARIE-TOOTH NEUROPATHY, TYPE 2S. Identifiers: Orphanet 443073, MedGen C4015349, MONDO:0014511, OMIM 616155.

Submission:

Labcorp Genetics (formerly Invitae), Labcorp
Classification: Pathogenic for Autosomal recessive distal spinal muscular atrophy 1; Charcot-Marie-Tooth disease axonal type 2S. Last evaluated: 2025-10-22. Review status: criteria provided, single submitter. Criteria: Invitae Variant Classification Sherloc (09022015). Collection method: clinical testing. Allele origin: germline.
Comment: This sequence change creates a premature translational stop signal (p.Thr896Leufs*38) in the IGHMBP2 gene. While this is not anticipated to result in nonsense mediated decay, it is expected to disrupt the last 98 amino acid(s) of the IGHMBP2 protein. This variant is not present in population databases (gnomAD no frequency). This variant has not been reported in the literature in individuals affected with IGHMBP2-related conditions. This variant disrupts a region of the IGHMBP2 protein in which other variant(s) (p.Arg971Glufs*4) have been determined to be pathogenic (PMID: 15269181, 25439726, 25568292, 26392352). This suggests that this is a clinically significant region of the protein, and that variants that disrupt it are likely to be disease-causing. For these reasons, this variant has been classified as Pathogenic.

Literature cited by the submitters: PubMed 15269181; PubMed 25439726; PubMed 25568292; PubMed 26392352.

NM_002180.3(IGHMBP2):c.2686_2687del (p.Thr896fs)

Gene: IGHMBP2 (immunoglobulin mu DNA binding protein 2; plus strand). Cytogenetic location: 11q13.3.
Variant type: Microsatellite.
Coding change: c.2686_2687del on transcript NM_002180.3 (MANE Select); coding-DNA positions 2686 to 2687, 2 bases deleted (AC; older notation c.2686_2687delAC).
Protein change: p.Thr896fs; shifts the reading frame from threonine 896.
Molecular consequence: frameshift variant.
Genome position (GRCh38, 1-based): chr11:68,938,256-68,938,257, AC deleted; deleting any 2 consecutive bases within chr11:68,938,254-68,938,257 gives the same sequence; the c. name uses the placement nearest the transcript's 3' end. VCF-style (leftmost placement, unchanged base first): chr11-68938253-AAC-A. GRCh37 (hg19) VCF-style: chr11-68705721-AAC-A.
Other names: short protein forms T896fs.
Identifiers: ClinVar variation 4793339 (VCV004793339.1).
Genomic context (GRCh38, chr11:68,938,253, plus strand): 5'-ACAGATCTGCCCACGGAGGAGGACTTTGAGGCCCTGGTTTCTGCCGCCGTTAAGGCTGAT[AAC>A]ACCTGCGGCTTTGCCAAGTGCACAGCCGGCGTCACAACCCTGGGCCAGTTCTGCCAGCTC-3'